The following is an entry in ClinVar:

ClinVar aggregate classification (germline): Conflicting classifications of pathogenicity. Review status: criteria provided, conflicting classifications (1 of 4 stars). 3 submissions from 3 submitters: Likely pathogenic (1); Uncertain significance (2). Last evaluated 2025-05-05.

Conditions:
Neurofibromatosis, type 1 (NF1). Also called: NEUROFIBROMATOSIS, TYPE I, SOMATIC; VON RECKLINGHAUSEN DISEASE; Peripheral type neurofibromatosis; Neurofibromatosis, type I. Identifiers: Orphanet 636, MedGen C0027831, MONDO:0018975, OMIM 162200. Disease mechanism: loss of function.
Hereditary cancer-predisposing syndrome. Also called: Neoplastic Syndromes, Hereditary; Hereditary neoplastic syndrome; Tumor predisposition; Hereditary Cancer Syndrome. Identifiers: Orphanet 140162, MedGen C0027672, MeSH D009386, MONDO:0015356.
Cardiovascular phenotype. Identifiers: MedGen CN230736.

Submissions (3):

Ambry Genetics
Classification: Uncertain significance for Cardiovascular phenotype; Hereditary cancer-predisposing syndrome. Last evaluated: 2025-05-05. Review status: criteria provided, single submitter. Criteria: Ambry Variant Classification Scheme 2023. Collection method: clinical testing. Allele origin: germline.
Comment: The p.V1741D variant (also known as c.5222T>A), located in coding exon 37 of the NF1 gene, results from a T to A substitution at nucleotide position 5222. The valine at codon 1741 is replaced by aspartic acid, an amino acid with highly dissimilar properties. This amino acid position is conserved. In addition, this alteration is predicted to be deleterious by in silico analysis. Based on the available evidence, the clinical significance of this variant remains unclear.

Labcorp Genetics (formerly Invitae), Labcorp
Classification: Uncertain significance for Neurofibromatosis, type 1. Last evaluated: 2023-08-01. Review status: criteria provided, single submitter. Criteria: Invitae Variant Classification Sherloc (09022015). Collection method: clinical testing. Allele origin: germline.
Comment: In summary, the available evidence is currently insufficient to determine the role of this variant in disease. Therefore, it has been classified as a Variant of Uncertain Significance. This variant has not been reported in the literature in individuals affected with NF1-related conditions. ClinVar contains an entry for this variant (Variation ID: 547659). Advanced modeling of protein sequence and biophysical properties (such as structural, functional, and spatial information, amino acid conservation, physicochemical variation, residue mobility, and thermodynamic stability) performed at Invitae indicates that this missense variant is expected to disrupt NF1 protein function. This variant is not present in population databases (gnomAD no frequency). This sequence change replaces valine, which is neutral and non-polar, with aspartic acid, which is acidic and polar, at codon 1741 of the NF1 protein (p.Val1741Asp).

Center for Human Genetics, Inc
Classification: Likely pathogenic for Neurofibromatosis, type 1. Last evaluated: 2016-11-01. Review status: criteria provided, single submitter. Criteria: ACMG Guidelines, 2015. Collection method: clinical testing. Allele origin: germline. Affected: yes.

NM_001042492.3(NF1):c.5285T>A (p.Val1762Asp)

Gene: NF1 (neurofibromin 1; plus strand). Cytogenetic location: 17q11.2.
Variant type: single nucleotide variant.
Coding change: c.5285T>A on transcript NM_001042492.3 (MANE Select); coding-DNA position 5285, T replaced by A.
Protein change: p.Val1762Asp; replaces valine 1762 with aspartic acid.
Molecular consequence: missense variant.
Genome position (GRCh38, 1-based): chr17:31,327,515, T>A. VCF-style: chr17-31327515-T-A. GRCh37 (hg19) VCF-style: chr17-29654533-T-A.
Other names: c.5222T>A, p.Val1741Asp (NM_000267.4); short protein forms V1741D, V1762D.
Identifiers: ClinVar variation 547659 (VCV000547659.5), dbSNP rs1555533550, ClinGen allele CA399008935.